The following is an entry in ClinVar:

ClinVar aggregate classification (germline): Conflicting classifications of pathogenicity. Review status: criteria provided, conflicting classifications (1 of 4 stars). 6 submissions from 6 submitters: Uncertain significance (5); Likely benign (1). Last evaluated 2025-11-05.

Conditions:
Breast-ovarian cancer, familial, susceptibility to, 1 (BROVCA1). Also called: BRCA1 Hereditary Breast and Ovarian Cancer; OVARIAN CANCER, SUSCEPTIBILITY TO. Identifiers: Orphanet 145, MedGen C2676676, MONDO:0011450, OMIM 604370. Disease mechanism: loss of function.
Hereditary cancer-predisposing syndrome. Also called: Neoplastic Syndromes, Hereditary; Hereditary neoplastic syndrome; Hereditary Cancer Syndrome; Tumor predisposition. Identifiers: Orphanet 140162, MedGen C0027672, MeSH D009386, MONDO:0015356.
Hereditary breast ovarian cancer syndrome. Also called: Hereditary breast and ovarian cancer syndrome; Breast and ovarian cancer; Hereditary breast and ovarian cancer syndrome (HBOC); Hereditary breast and/or ovarian cancer syndrome; BRCA1- and BRCA2-Associated Hereditary Breast and Ovarian Cancer; Hereditary breast and ovarian cancer. Identifiers: Orphanet 145, MedGen C0677776, MeSH D061325, MONDO:0003582. Disease mechanism: loss of function.

Allele frequency attached by ClinVar (database versions not stated): gnomAD exomes below 0.00001 and 0.00002; TOPMed 0.00002; gnomAD 0.00003.
gnomAD v4.1: 7 of 1,614,028 alleles (0.00043%); highest among the groups gnomAD compares: East Asian, 0.0067%; no homozygotes.

Submissions (6):

Labcorp Genetics (formerly Invitae), Labcorp
Classification: Uncertain significance for Hereditary breast ovarian cancer syndrome. Last evaluated: 2025-11-05. Review status: criteria provided, single submitter. Criteria: Invitae Variant Classification Sherloc (09022015). Collection method: clinical testing. Allele origin: germline.
Comment: This sequence change replaces lysine, which is basic and polar, with arginine, which is basic and polar, at codon 683 of the BRCA1 protein (p.Lys683Arg). This variant is present in population databases (no rsID available, gnomAD 0.03%). This missense change has been observed in individual(s) with breast cancer (PMID: 25186627). ClinVar contains an entry for this variant (Variation ID: 409357). Invitae Evidence Modeling of protein sequence and biophysical properties (such as structural, functional, and spatial information, amino acid conservation, physicochemical variation, residue mobility, and thermodynamic stability) indicates that this missense variant is not expected to disrupt BRCA1 protein function with a negative predictive value of 80%. In summary, the available evidence is currently insufficient to determine the role of this variant in disease. Therefore, it has been classified as a Variant of Uncertain Significance.

Ambry Genetics
Classification: Uncertain significance for Hereditary cancer-predisposing syndrome. Last evaluated: 2024-06-28. Review status: criteria provided, single submitter. Criteria: Ambry Variant Classification Scheme 2023. Collection method: clinical testing. Allele origin: germline.
Comment: The p.K683R variant (also known as c.2048A>G), located in coding exon 9 of the BRCA1 gene, results from an A to G substitution at nucleotide position 2048. The lysine at codon 683 is replaced by arginine, an amino acid with highly similar properties. This alteration has been identified in multiple individuals diagnosed with breast cancer (Tung N et al. Cancer, 2015 Jan;121:25-33; Fu W et al. Cancer Manag Res, 2022 Feb;14:525-534). This amino acid position is not well conserved in available vertebrate species. In addition, the in silico prediction for this alteration is inconclusive. Based on the available evidence, the clinical significance of this variant remains unclear.

All of Us Research Program, National Institutes of Health
Classification: Uncertain significance for Breast-ovarian cancer, familial, susceptibility to, 1. Last evaluated: 2023-09-17. Review status: criteria provided, single submitter. Criteria: ACMG Guidelines, 2015. Collection method: clinical testing. Allele origin: germline. Inheritance: Autosomal dominant inheritance. Observed: 2 variant alleles, 2 heterozygotes.
Comment: This missense variant replaces lysine with arginine at codon 683 of the BRCA1 protein. Computational prediction is inconclusive regarding the impact of this variant on protein structure and function (internally defined REVEL score threshold 0.5 < inconclusive < 0.7, PMID: 27666373). To our knowledge, functional studies have not been reported for this variant. This variant has been reported in an individual affected with breast cancer and in a breast cancer case-control meta-analysis in 1/60466 cases and 1/53461 unaffected individuals (PMID: 33471991; Leiden Open Variation Database DB-ID BRCA1_006468). This variant has been identified in 5/282716 chromosomes in the general population by the Genome Aggregation Database (gnomAD). The available evidence is insufficient to determine the role of this variant in disease conclusively. Therefore, this variant is classified as a Variant of Uncertain Significance.

This study involves interpretation of variants in research participants for the purpose of population health screening. Participant phenotype was not available at the time of variant classification. Additional details can be found in publication PMID: 35346344, PMCID: PMC8962531

University of Washington Department of Laboratory Medicine, University of Washington
Classification: Likely benign for Hereditary cancer-predisposing syndrome. Last evaluated: 2023-03-23. Review status: criteria provided, single submitter. Criteria: Dines et al. (Genet Med. 2020). Collection method: curation. Allele origin: germline.
Comment: Missense variant in a coldspot region where missense variants are very unlikely to be pathogenic (PMID:31911673).

BRCA1 coldspot (exon 11 using historical exon numbering). Reclassification based on statistical prior probability

GeneDx
Classification: Uncertain significance. Last evaluated: 2022-11-02. Review status: criteria provided, single submitter. Criteria: GeneDx Variant Classification Process June 2021. Collection method: clinical testing. Allele origin: germline. Affected: yes.
Comment: In silico analysis supports that this missense variant does not alter protein structure/function; Also known as 2167A>G; This variant is associated with the following publications: (PMID: 15343273, 35173486)

Sema4
Classification: Uncertain significance for Hereditary cancer-predisposing syndrome. Last evaluated: 2021-05-28. Review status: criteria provided, single submitter. Criteria: Sema4 Curation Guidelines. Collection method: curation. Allele origin: germline.
Comment: The BRCA1 c.2048A>G (p.K683R) variant has been reported in individuals with breast cancer (PMID: 25186627, 33471991). It was observed in 5/19954 chromosomes of the East Asian subpopulation in the large and broad cohorts of the Genome Aggregation Database (PMID: 32461654). The variant has been reported in ClinVar (Variation ID 409357). In silico tools suggest the impact of the variant on protein function is inconclusive though these predictions have not been confirmed by functional studies. The evidence is insufficient to meet ACMG/AMP criteria for classifying the variant as benign or pathogenic. Thus, the clinical significance of this variant is currently uncertain.

Literature cited by the submitters: PubMed 25186627 (cited by 3 submitters); PubMed 35173486 (cited by Ambry Genetics); PubMed 33471991 (cited by All of Us Research Program, National Institutes of Health and Sema4).

NM_007294.4(BRCA1):c.2048A>G (p.Lys683Arg)

Gene: BRCA1 (BRCA1 DNA repair associated; minus strand). Cytogenetic location: 17q21.31.
Variant type: single nucleotide variant.
Coding change: c.2048A>G on transcript NM_007294.4 (MANE Select); coding-DNA position 2048, A replaced by G.
Protein change: p.Lys683Arg; replaces lysine 683 with arginine.
Molecular consequence: missense variant. On other transcripts: intron variant (137).
Genome position (GRCh38, 1-based): chr17:43,093,483, T>C on the plus strand (A>G on the coding strand, the complement: BRCA1 is on the minus strand). VCF-style: chr17-43093483-T-C. GRCh37 (hg19) VCF-style: chr17-41245500-T-C.
Other names: c.1835A>G, p.Lys612Arg (NM_001407571.1, NM_001407853.1, NM_001407894.1 and 9 more transcripts); c.2048A>G, p.Lys683Arg (NM_001407581.1, NM_001407582.1, NM_001407583.1 and 30 more transcripts); c.2045A>G, p.Lys682Arg (NM_001407587.1, NM_001407590.1, NM_001407591.1 and 22 more transcripts); c.2039A>G, p.Lys680Arg (NM_001407646.1, NM_001407647.1); c.1925A>G, p.Lys642Arg (NM_001407648.1, NM_001407664.1, NM_001407665.1 and 19 more transcripts); c.1922A>G, p.Lys641Arg (NM_001407649.1, NM_001407670.1, NM_001407671.1 and 11 more transcripts); c.1970A>G, p.Lys657Arg (NM_001407653.1, NM_001407654.1, NM_001407655.1 and 4 more transcripts); c.1907A>G, p.Lys636Arg (NM_001407728.1, NM_001407729.1, NM_001407730.1 and 29 more transcripts); and 40 more; short protein forms K683R, K636R, K571R, K595R, K616R, K656R, K555R, K572R.
Identifiers: ClinVar variation 409357 (VCV000409357.23), dbSNP rs1060502357, ClinGen allele CA10597908.